The following is an entry in ClinVar:

NM_152383.5(DIS3L2):c.1112G>T (p.Arg371Ile)

Gene: DIS3L2 (DIS3 like 3'-5' exoribonuclease 2; plus strand). Cytogenetic location: 2q37.1.
Variant type: single nucleotide variant.
Coding change: c.1112G>T on transcript NM_152383.5 (MANE Select); coding-DNA position 1112, G replaced by T.
Protein change: p.Arg371Ile; replaces arginine 371 with isoleucine.
Molecular consequence: missense variant. On other transcripts: non-coding transcript variant (2).
Genome position (GRCh38, 1-based): chr2:232,163,620, G>T. VCF-style: chr2-232163620-G-T. GRCh37 (hg19) VCF-style: chr2-233028330-G-T.
Other names: c.1112G>T, p.Arg371Ile (NM_001257281.2); short protein forms R371I.
Identifiers: ClinVar variation 842200 (VCV000842200.11), dbSNP rs753830826, ClinGen allele CA2164005.

ClinVar aggregate classification (germline): Uncertain significance. Review status: criteria provided, multiple submitters, no conflicts (2 of 4 stars). 2 submissions from 2 submitters: Uncertain significance (2). Last evaluated 2023-01-17.

Conditions:
Perlman syndrome (PRLMNS). Identifiers: Orphanet 2849, MedGen C0796113, MONDO:0009965, OMIM 267000.

Allele frequency attached by ClinVar (database versions not stated): gnomAD exomes below 0.00001 and 0.00001; ExAC 0.00001.
gnomAD v4.1: 16 of 1,613,476 alleles (0.00099%); highest among the groups gnomAD compares: Non-Finnish European, 0.0014%; no homozygotes.

Submissions (2):

Labcorp Genetics (formerly Invitae), Labcorp
Classification: Uncertain significance for Perlman syndrome. Last evaluated: 2023-01-17. Review status: criteria provided, single submitter. Criteria: Invitae Variant Classification Sherloc (09022015). Collection method: clinical testing. Allele origin: germline.
Comment: In summary, the available evidence is currently insufficient to determine the role of this variant in disease. Therefore, it has been classified as a Variant of Uncertain Significance. Advanced modeling of protein sequence and biophysical properties (such as structural, functional, and spatial information, amino acid conservation, physicochemical variation, residue mobility, and thermodynamic stability) performed at Invitae indicates that this missense variant is expected to disrupt DIS3L2 protein function. ClinVar contains an entry for this variant (Variation ID: 842200). This variant has not been reported in the literature in individuals affected with DIS3L2-related conditions. This variant is present in population databases (rs753830826, gnomAD 0.0009%). This sequence change replaces arginine, which is basic and polar, with isoleucine, which is neutral and non-polar, at codon 371 of the DIS3L2 protein (p.Arg371Ile).

GeneDx
Classification: Uncertain significance. Last evaluated: 2020-09-03. Review status: criteria provided, single submitter. Criteria: GeneDx Variant Classification Process June 2021. Collection method: clinical testing. Allele origin: germline. Affected: yes.
Comment: Not observed at a significant frequency in large population cohorts (Lek et al., 2016); In silico analysis supports that this missense variant has a deleterious effect on protein structure/function; Has not been previously published as pathogenic or benign to our knowledge